The following is an entry in ClinVar:

ClinVar aggregate classification (germline): Uncertain significance (1 of 4 stars; one submission).

Conditions:
Progressive myoclonic epilepsy type 9. Identifiers: Orphanet 457265, MedGen C4225289, MONDO:0014685, OMIM 616540.
Lipodystrophy, partial, acquired, susceptibility to (APLD). Also called: APLD, SUSCEPTIBILITY TO. Identifiers: MedGen C3887501, MONDO:0100476, OMIM 608709.

Allele frequency attached by ClinVar (database versions not stated): gnomAD 0.00001; gnomAD exomes below 0.00001.
gnomAD v4.1: 2 of 1,613,244 alleles (0.00012%); highest among the groups gnomAD compares: Non-Finnish European, 0.00017%; no homozygotes.

Submission:

Labcorp Genetics (formerly Invitae), Labcorp
Classification: Uncertain significance for Progressive myoclonic epilepsy type 9; Lipodystrophy, partial, acquired, susceptibility to. Last evaluated: 2020-11-14. Review status: criteria provided, single submitter. Criteria: Invitae Variant Classification Sherloc (09022015). Collection method: clinical testing. Allele origin: germline.
Comment: This sequence change replaces glutamic acid with aspartic acid at codon 478 of the LMNB2 protein (p.Glu478Asp). The glutamic acid residue is highly conserved and there is a small physicochemical difference between glutamic acid and aspartic acid. This variant is not present in population databases (ExAC no frequency). This variant has not been reported in the literature in individuals with LMNB2-related conditions. Algorithms developed to predict the effect of missense changes on protein structure and function output the following: SIFT: "Deleterious"; PolyPhen-2: "Benign"; Align-GVGD: "Class C0". The aspartic acid amino acid residue is found in multiple mammalian species, suggesting that this missense change does not adversely affect protein function. These predictions have not been confirmed by published functional studies and their clinical significance is uncertain. In summary, the available evidence is currently insufficient to determine the role of this variant in disease. Therefore, it has been classified as a Variant of Uncertain Significance.

NM_032737.4(LMNB2):c.1434G>T (p.Glu478Asp)

Gene: LMNB2 (lamin B2; minus strand). Cytogenetic location: 19p13.3.
Variant type: single nucleotide variant.
Coding change: c.1434G>T on transcript NM_032737.4 (MANE Select); coding-DNA position 1434, G replaced by T.
Protein change: p.Glu478Asp; replaces glutamic acid 478 with aspartic acid.
Molecular consequence: missense variant.
Genome position (GRCh38, 1-based): chr19:2,433,874, C>A on the plus strand (G>T on the coding strand, the complement: LMNB2 is on the minus strand). VCF-style: chr19-2433874-C-A. GRCh37 (hg19) VCF-style: chr19-2433872-C-A.
Other names: short protein forms E478D.
Identifiers: ClinVar variation 1484965 (VCV001484965.8), dbSNP rs1317586350, ClinGen allele CA403251454.